The following is an entry in ClinVar:

ClinVar aggregate classification (germline): Uncertain significance. Review status: criteria provided, multiple submitters, no conflicts (2 of 4 stars). 2 submissions from 2 submitters: Uncertain significance (2). Last evaluated 2024-05-20.

Conditions:
Left ventricular noncompaction 8 (LVNC8). Identifiers: Orphanet 154, Orphanet 54260, MedGen C3809288, MONDO:0014152, OMIM 615373.

gnomAD v4.1: 1 of 1,609,296 alleles (0.000062%); highest among the groups gnomAD compares: African/African-American, 0.0013%; no homozygotes.

Submissions (2):

Labcorp Genetics (formerly Invitae), Labcorp
Classification: Uncertain significance for Left ventricular noncompaction 8. Last evaluated: 2024-05-20. Review status: criteria provided, single submitter. Criteria: Invitae Variant Classification Sherloc (09022015). Collection method: clinical testing. Allele origin: germline.
Comment: This sequence change replaces tyrosine, which is neutral and polar, with histidine, which is basic and polar, at codon 294 of the PRDM16 protein (p.Tyr294His). This variant is not present in population databases (gnomAD no frequency). This variant has not been reported in the literature in individuals affected with PRDM16-related conditions. ClinVar contains an entry for this variant (Variation ID: 1304372). An algorithm developed to predict the effect of missense changes on protein structure and function (PolyPhen-2) suggests that this variant is likely to be disruptive. In summary, the available evidence is currently insufficient to determine the role of this variant in disease. Therefore, it has been classified as a Variant of Uncertain Significance.

GeneDx
Classification: Uncertain significance. Last evaluated: 2018-11-30. Review status: criteria provided, single submitter. Criteria: GeneDx Variant Classification Process June 2021. Collection method: clinical testing. Allele origin: germline. Affected: yes.

NM_022114.4(PRDM16):c.880T>C (p.Tyr294His)

Gene: PRDM16 (PR/SET domain 16; plus strand). Cytogenetic location: 1p36.32.
Variant type: single nucleotide variant.
Coding change: c.880T>C on transcript NM_022114.4 (MANE Select); coding-DNA position 880, T replaced by C.
Protein change: p.Tyr294His; replaces tyrosine 294 with histidine.
Molecular consequence: missense variant.
Genome position (GRCh38, 1-based): chr1:3,402,994, T>C. VCF-style: chr1-3402994-T-C. GRCh37 (hg19) VCF-style: chr1-3319558-T-C.
Other names: c.880T>C, p.Tyr294His (NM_199454.3); short protein forms Y294H.
Identifiers: ClinVar variation 1304372 (VCV001304372.9), dbSNP rs2100642694, ClinGen allele CA338003397.